The following is an entry in ClinVar:

ClinVar aggregate classification (germline): Likely pathogenic (1 of 4 stars; one submission).

Conditions:
Dilated cardiomyopathy 3B (CMD3B). Also called: CMD3B: DMD-Related Dilated Cardiomyopathy; CARDIOMYOPATHY, DILATED, X-LINKED; DMD-Associated Dilated Cardiomyopathy. Identifiers: Orphanet 154, MedGen C3668940, MONDO:0010542, OMIM 302045.

Submission:

Centre for Mendelian Genomics, University Medical Centre Ljubljana
Classification: Likely pathogenic for Dilated cardiomyopathy 3B. Last evaluated: 2019-04-24. Review status: criteria provided, single submitter. Criteria: ACMG Guidelines, 2015. Collection method: clinical testing. Allele origin: unknown. Affected: yes.
Comment: This variant was classified as: Likely pathogenic. The following ACMG criteria were applied in classifying this variant: PP3,PP4,PM1,PM2. This variant was detected in hemizygous state.

NM_004006.3(DMD):c.9980_9981insTAG (p.Tyr3326_Arg3327insSer)

Gene: DMD (dystrophin; minus strand). Cytogenetic location: Xp21.2.
Variant type: Insertion.
Coding change: c.9980_9981insTAG on transcript NM_004006.3 (MANE Select); coding-DNA positions 9980 to 9981, TAG inserted.
Protein change: p.Tyr3326_Arg3327insSer.
Molecular consequence: inframe insertion.
Genome position: GRCh38 VCF-style: chrX-31180475-C-CCTA. GRCh37 (hg19) VCF-style: chrX-31198592-C-CCTA.
Other names: c.776_777insTAG, p.Tyr258_Arg259insSer (NM_004019.3, NM_004015.3, NM_004016.3 and 2 more transcripts); c.2600_2601insTAG, p.Tyr866_Arg867insSer (NM_004020.4, NM_004021.3, NM_004022.3 and 2 more transcripts); c.9956_9957insTAG, p.Tyr3318_Arg3319insSer (NM_000109.4); c.5948_5949insTAG, p.Tyr1982_Arg1983insSer (NM_004012.4); c.9968_9969insTAG, p.Tyr3322_Arg3323insSer (NM_004009.3); c.9611_9612insTAG, p.Tyr3203_Arg3204insSer (NM_004010.3); c.5957_5958insTAG, p.Tyr1985_Arg1986insSer (NM_004011.4); c.1793_1794insTAG, p.Tyr597_Arg598insSer (NM_004014.3).
Identifiers: ClinVar variation 931978 (VCV000931978.3), dbSNP rs2041040360, ClinGen allele CA1139667350.
Genomic context (GRCh38, chrX:31,180,475, plus strand): 5'-TGCAACTCGACCAGAAAAAAAGCAGCTTTGGCAGATGTCATAATTAAAGTGCTTTAGACT[C>CCTA]CTGTACCTGATAAAGAGCAAAAACAAACACGTATGTATTTCTTCGAATCAAATTCCCAAA-3'